The following is an entry in ClinVar:

NM_002230.4(JUP):c.542G>T (p.Gly181Val)

Gene: JUP (junction plakoglobin; minus strand). Cytogenetic location: 17q21.2.
Variant type: single nucleotide variant.
Coding change: c.542G>T on transcript NM_002230.4 (MANE Select); coding-DNA position 542, G replaced by T.
Protein change: p.Gly181Val; replaces glycine 181 with valine.
Molecular consequence: missense variant.
Genome position (GRCh38, 1-based): chr17:41,769,134, C>A on the plus strand (G>T on the coding strand, the complement: JUP is on the minus strand). VCF-style: chr17-41769134-C-A. GRCh37 (hg19) VCF-style: chr17-39925386-C-A.
Other names: c.542G>T, p.Gly181Val (NM_001352773.2, NM_001352774.2, NM_001352775.2 and 3 more transcripts); short protein forms G181V.
Identifiers: ClinVar variation 536623 (VCV000536623.4), dbSNP rs1555605325, ClinGen allele CA399503317.

ClinVar aggregate classification (germline): Uncertain significance. Review status: criteria provided, multiple submitters, no conflicts (2 of 4 stars). 2 submissions from 2 submitters: Uncertain significance (2). Last evaluated 2025-06-08.

Conditions:
Arrhythmogenic right ventricular dysplasia 12. Also called: ARRHYTHMOGENIC RIGHT VENTRICULAR DYSPLASIA, FAMILIAL, 12. Identifiers: MedGen C1969081, MONDO:0012684, OMIM 611528.
Naxos disease (NXD). Also called: KERATOSIS PALMOPLANTARIS WITH ARRHYTHMOGENIC CARDIOMYOPATHY; MAL DE NAXOS; PALMOPLANTAR KERATODERMA WITH ARRHYTHMOGENIC RIGHT VENTRICULAR CARDIOMYOPATHY AND WOOLLY HAIR; WOOLLY HAIR, PALMOPLANTAR KERATODERMA, AND CARDIAC ABNORMALITIES; CARDIOMYOPATHY, ARRHYTHMOGENIC RIGHT VENTRICULAR, WITH SKIN, HAIR, AND NAIL ABNORMALITIES. Identifiers: Orphanet 34217, MedGen C1832600, MONDO:0011017, OMIM 601214.
Cardiovascular phenotype. Identifiers: MedGen CN230736.

Allele frequency attached by ClinVar (database versions not stated): gnomAD exomes below 0.00001.
gnomAD v4.1: 1 of 1,608,810 alleles (0.000062%); highest among the groups gnomAD compares: Non-Finnish European, 0.000085%; no homozygotes.

Submissions (2):

Labcorp Genetics (formerly Invitae), Labcorp
Classification: Uncertain significance for Arrhythmogenic right ventricular dysplasia 12; Naxos disease. Last evaluated: 2025-06-08. Review status: criteria provided, single submitter. Criteria: Invitae Variant Classification Sherloc (09022015). Collection method: clinical testing. Allele origin: germline.
Comment: This sequence change replaces glycine, which is neutral and non-polar, with valine, which is neutral and non-polar, at codon 181 of the JUP protein (p.Gly181Val). This variant is not present in population databases (gnomAD no frequency). This variant has not been reported in the literature in individuals affected with JUP-related conditions. ClinVar contains an entry for this variant (Variation ID: 536623). An algorithm developed to predict the effect of missense changes on protein structure and function (PolyPhen-2) suggests that this variant is likely to be tolerated. In summary, the available evidence is currently insufficient to determine the role of this variant in disease. Therefore, it has been classified as a Variant of Uncertain Significance.

Ambry Genetics
Classification: Uncertain significance for Cardiovascular phenotype. Last evaluated: 2022-05-24. Review status: criteria provided, single submitter. Criteria: Ambry Variant Classification Scheme 2023. Collection method: clinical testing. Allele origin: germline.
Comment: The p.G181V variant (also known as c.542G>T), located in coding exon 3 of the JUP gene, results from a G to T substitution at nucleotide position 542. The glycine at codon 181 is replaced by valine, an amino acid with dissimilar properties. This amino acid position is conserved. In addition, this alteration is predicted to be tolerated by in silico analysis. Since supporting evidence is limited at this time, the clinical significance of this alteration remains unclear.